The following is an entry in ClinVar:

ClinVar aggregate classification (germline): Benign. Review status: criteria provided, multiple submitters, no conflicts (2 of 4 stars). 2 submissions from 2 submitters: Benign (2). Last evaluated 2018-06-16.

Allele frequency attached by ClinVar (database versions not stated): gnomAD exomes 0.00450 and 0.00995; ExAC 0.01212; 1000 Genomes Project 30x 0.02518; 1000 Genomes Project 0.02781; ESP Exome Variant Server 0.03588; gnomAD 0.02880 and 0.03076; TOPMed 0.03310.
gnomAD v4.1: 6,775 of 877,130 alleles (0.77%); highest among the groups gnomAD compares: African/African-American, 9.4%; 183 homozygotes.

Submissions (2):

GeneDx
Classification: Benign. Last evaluated: 2018-06-16. Review status: criteria provided, single submitter. Criteria: GeneDx Variant Classification (06012015). Collection method: clinical testing. Allele origin: germline. Affected: yes.
Comment: This variant is considered likely benign or benign based on one or more of the following criteria: it is a conservative change, it occurs at a poorly conserved position in the protein, it is predicted to be benign by multiple in silico algorithms, and/or has population frequency not consistent with disease.

Breakthrough Genomics
Classification: Benign. Review status: criteria provided, single submitter. Criteria: ACMG Guidelines, 2015. Collection method: not provided. Allele origin: germline. Inheritance: X-linked inheritance. Affected: yes.

NM_004208.4(AIFM1):c.967+48G>A

Genes: RAB33A (RAB33A, member RAS oncogene family; plus strand), AIFM1 (apoptosis inducing factor mitochondria associated 1; minus strand). Cytogenetic location: Xq26.1.
Variant type: single nucleotide variant.
Coding change: c.967+48G>A on transcript NM_004208.4 (MANE Select); 48 bases into the intron after coding-DNA position 967, G replaced by A.
Molecular consequence: intron variant.
Genome position (GRCh38, 1-based): chrX:130,138,545, C>T on the plus strand (G>A on the coding strand, the complement: AIFM1 is on the minus strand). VCF-style: chrX-130138545-C-T. GRCh37 (hg19) VCF-style: chrX-129272520-C-T.
Other names: c.955+48G>A (NM_145812.3); c.967+48G>A (NM_001130847.4).
Identifiers: ClinVar variation 675484 (VCV000675484.2), dbSNP rs12014323, ClinGen allele CA10515360.